The following is an entry in ClinVar:

ClinVar aggregate classification (germline): Uncertain significance (1 of 4 stars; one submission).

Submission:

Labcorp Genetics (formerly Invitae), Labcorp
Classification: Uncertain significance. Last evaluated: 2024-09-05. Review status: criteria provided, single submitter. Criteria: Invitae Variant Classification Sherloc (09022015). Collection method: clinical testing. Allele origin: germline.
Comment: This sequence change replaces glycine, which is neutral and non-polar, with aspartic acid, which is acidic and polar, at codon 66 of the SRCAP protein (p.Gly66Asp). This variant is not present in population databases (gnomAD no frequency). This variant has not been reported in the literature in individuals affected with SRCAP-related conditions. ClinVar contains an entry for this variant (Variation ID: 2164108). Invitae Evidence Modeling of protein sequence and biophysical properties (such as structural, functional, and spatial information, amino acid conservation, physicochemical variation, residue mobility, and thermodynamic stability) indicates that this missense variant is not expected to disrupt SRCAP protein function with a negative predictive value of 80%. In summary, the available evidence is currently insufficient to determine the role of this variant in disease. Therefore, it has been classified as a Variant of Uncertain Significance.

NM_006662.3(SRCAP):c.197G>A (p.Gly66Asp)

Gene: SRCAP (Snf2 related CREBBP activator protein; plus strand). Cytogenetic location: 16p11.2.
Variant type: single nucleotide variant.
Coding change: c.197G>A on transcript NM_006662.3 (MANE Select); coding-DNA position 197, G replaced by A.
Protein change: p.Gly66Asp; replaces glycine 66 with aspartic acid.
Molecular consequence: missense variant.
Genome position (GRCh38, 1-based): chr16:30,704,206, G>A. VCF-style: chr16-30704206-G-A. GRCh37 (hg19) VCF-style: chr16-30715527-G-A.
Other names: short protein forms G66D.
Identifiers: ClinVar variation 2164108 (VCV002164108.4), dbSNP rs2506598981, ClinGen allele CA395597046.